The following is an entry in ClinVar:

NM_003108.4(SOX11):c.1097del (p.Ser366fs)

Gene: SOX11 (SRY-box transcription factor 11; plus strand). Cytogenetic location: 2p25.2.
Variant type: Deletion.
Coding change: c.1097del on transcript NM_003108.4 (MANE Select); coding-DNA position 1097, one base deleted (G; older notation c.1097delG).
Protein change: p.Ser366fs; shifts the reading frame from serine 366.
Molecular consequence: frameshift variant.
Genome position (GRCh38, 1-based): chr2:5,693,818, G deleted. VCF-style (leftmost placement, unchanged base first): chr2-5693817-AG-A. GRCh37 (hg19) VCF-style: chr2-5833949-AG-A.
Other names: short protein forms S366fs.
Identifiers: ClinVar variation 3381857 (VCV003381857.2).

ClinVar aggregate classification (germline): Likely pathogenic (1 of 4 stars; one submission).

Conditions:
Intellectual developmental disorder with microcephaly and with or without ocular malformations or hypogonadotropic hypogonadism. Also called: Intellectual disability, autosomal dominant 27; Coffin-Siris Syndrome 9. Identifiers: Orphanet 1465, MedGen C4014528, MONDO:0014376, OMIM 615866.

Submission:

Juno Genomics, Hangzhou Juno Genomics, Inc
Classification: Likely pathogenic for Intellectual developmental disorder with microcephaly and with or without ocular malformations or hypogonadotropic hypogonadism. Review status: criteria provided, single submitter. Criteria: ACMG Guidelines, 2015. Collection method: clinical testing. Allele origin: germline. Affected: yes.
Comment: Absent from controls (or at extremely low frequency if recessive) in Genome Aggregation Database, Exome Sequencing Project, 1000 Genomes Project, or Exome Aggregation Consortium.;Null variant in a gene where loss of function (LOF) is a known mechanism of disease.;Patient's phenotype or family history is highly specific for a disease with a single genetic etiology.